The following is an entry in ClinVar:

ClinVar aggregate classification (germline): Pathogenic/Likely pathogenic. Review status: criteria provided, multiple submitters, no conflicts (2 of 4 stars). 4 submissions from 4 submitters: Pathogenic (1); Likely pathogenic (2). 1 of the submissions does not count toward it. Last evaluated 2024-08-31.

Conditions:
PYGM-related disorder. Also called: PYGM-related condition.
Glycogen storage disease, type V (GSD5). Also called: McArdle type glycogen storage disease; MCARDLE DISEASE; MUSCLE GLYCOGEN PHOSPHORYLASE DEFICIENCY; MYOPHOSPHORYLASE DEFICIENCY; PYGM DEFICIENCY. Identifiers: Orphanet 368, MedGen C0017924, MONDO:0009293, OMIM 232600.

Submissions (4):

Labcorp Genetics (formerly Invitae), Labcorp
Classification: Pathogenic for Glycogen storage disease, type V. Last evaluated: 2024-08-31. Review status: criteria provided, single submitter. Criteria: Invitae Variant Classification Sherloc (09022015). Collection method: clinical testing. Allele origin: germline.
Comment: This sequence change creates a premature translational stop signal (p.Phe599Leufs*6) in the PYGM gene. It is expected to result in an absent or disrupted protein product. Loss-of-function variants in PYGM are known to be pathogenic (PMID: 8316268, 16786513). This variant is present in population databases (rs769960481, gnomAD 0.0009%). This premature translational stop signal has been observed in individual(s) with McArdle disease (PMID: 14748827). ClinVar contains an entry for this variant (Variation ID: 188807). Algorithms developed to predict the effect of sequence changes on RNA splicing suggest that this variant may disrupt the consensus splice site. For these reasons, this variant has been classified as Pathogenic.

Blueprint Genetics
Classification: Likely pathogenic for PYGM-related disorders. Last evaluated: 2024-07-18. Review status: criteria provided, single submitter. Criteria: ACMG Guidelines, 2015. Collection method: clinical testing. Allele origin: germline. Affected: yes. Observed: 1 variant allele.

Women's Health and Genetics/Laboratory Corporation of America, LabCorp
Classification: Likely pathogenic for Glycogen storage disease, type V. Last evaluated: 2023-01-20. Review status: criteria provided, single submitter. Criteria: LabCorp Variant Classification Summary - May 2015. Collection method: clinical testing. Allele origin: germline.
Comment: Variant summary: PYGM c.1797delT (p.Phe599LeufsX6) results in a premature termination codon, predicted to cause a truncation of the encoded protein or absence of the protein due to nonsense mediated decay, which are commonly known mechanisms for disease. Truncations downstream of this position have been classified as pathogenic in ClinVar and are associated with McArdle disease in HGMD. The variant allele was found at a frequency of 4e-06 in 251198 control chromosomes. The available data on variant occurrences in the general population are insufficient to allow any conclusion about variant significance. c.1797delT has been reported in the literature in at least one individual affected with McArdle disease/Glycogen Storage Disease, Type V (e.g., Martin_2004). To our knowledge, no experimental evidence demonstrating an impact on protein function has been reported. No clinical diagnostic laboratories have submitted clinical-significance assessments for this variant to ClinVar after 2014. Based on the evidence outlined above, the variant was classified as likely pathogenic.

Counsyl
Classification: Likely pathogenic for Glycogen storage disease, type V. Last evaluated: 2014-05-31. Review status: no assertion criteria provided. Collection method: literature only. Allele origin: unknown. Inheritance: Autosomal recessive inheritance. Not counted in ClinVar's aggregate classification.

Literature cited by the submitters: PubMed 8316268 (cited by Labcorp Genetics (formerly Invitae), Labcorp); PubMed 16786513 (cited by Labcorp Genetics (formerly Invitae), Labcorp); PubMed 14748827 (cited by 3 submitters).

NM_005609.4(PYGM):c.1797del (p.Phe599fs)

Gene: PYGM (glycogen phosphorylase, muscle associated; minus strand). Cytogenetic location: 11q13.1.
Variant type: Deletion.
Coding change: c.1797del on transcript NM_005609.4 (MANE Select); coding-DNA position 1797, one base deleted (T; older notation c.1797delT).
Protein change: p.Phe599fs; shifts the reading frame from phenylalanine 599.
Molecular consequence: frameshift variant.
Genome position (GRCh38, 1-based): chr11:64,751,627, A deleted on the plus strand (T on the coding strand, the reverse complement: PYGM is on the minus strand); the first of 6 consecutive A bases (chr11:64,751,627-64,751,632); deleting any one gives the same sequence. VCF-style (leftmost placement, unchanged base first): chr11-64751626-CA-C. GRCh37 (hg19) VCF-style: chr11-64519098-CA-C.
Other names: c.1797delT (NM_005609.3); c.1533del, p.Phe511fs (NM_001164716.1); short protein forms F599fs, F511fs.
Identifiers: ClinVar variation 188807 (VCV000188807.12), dbSNP rs769960481, ClinGen allele CA273986.